The following is an entry in ClinVar:

NM_001370298.3(FGD4):c.740T>C (p.Leu247Pro)

Gene: FGD4 (FYVE, RhoGEF and PH domain containing 4; plus strand). Cytogenetic location: 12p11.21.
Variant type: single nucleotide variant.
Coding change: c.740T>C on transcript NM_001370298.3 (MANE Select); coding-DNA position 740, T replaced by C.
Protein change: p.Leu247Pro; replaces leucine 247 with proline.
Molecular consequence: missense variant. On other transcripts: 5 prime UTR variant (2), non-coding transcript variant (1), intron variant (1).
Genome position (GRCh38, 1-based): chr12:32,582,196, T>C. VCF-style: chr12-32582196-T-C. GRCh37 (hg19) VCF-style: chr12-32735130-T-C.
Other names: p.Leu110Pro; c.584T>C, p.Leu195Pro (NM_001304481.2); c.-516T>C (NM_001304483.2); c.-823T>C (NM_001304484.2); c.50T>C, p.Leu17Pro (NM_001330373.2, NM_001330374.2, NM_001384130.1); c.740T>C, p.Leu247Pro (NM_001384126.1); c.329T>C, p.Leu110Pro (NM_001384127.1, NM_001384128.1, NM_001384131.1 and 3 more transcripts); c.49-16301T>C (NM_001370297.1); short protein forms L110P, L195P, L17P, L247P.
Identifiers: ClinVar variation 242314 (VCV000242314.19), dbSNP rs142609007, ClinGen allele CA6506617.

ClinVar aggregate classification (germline): Conflicting classifications of pathogenicity. Review status: criteria provided, conflicting classifications (1 of 4 stars). 7 submissions from 7 submitters: Uncertain significance (6); Likely benign (1). Last evaluated 2026-06-02.

Conditions:
Inborn genetic diseases. Identifiers: MedGen C0950123, MeSH D030342.
Charcot-Marie-Tooth disease type 4. Also called: Charcot-Marie-Tooth, Type 4; Charcot-Marie-Tooth disease, type IV. Identifiers: Orphanet 64749, MedGen C4082197, MONDO:0018995.
Charcot-Marie-Tooth disease type 4H (CMT4H). Also called: CHARCOT-MARIE-TOOTH DISEASE, AUTOSOMAL RECESSIVE, TYPE 4H; CHARCOT-MARIE-TOOTH DISEASE, DEMYELINATING, AUTOSOMAL RECESSIVE, TYPE 4H; CHARCOT-MARIE-TOOTH NEUROPATHY, TYPE 4H; CHARCOT-MARIE-TOOTH DISEASE, DEMYELINATING, TYPE 4H. Identifiers: Orphanet 99954, MedGen C1836336, MONDO:0012250, OMIM 609311.

Allele frequency attached by ClinVar (database versions not stated): TOPMed 0.00037; ExAC 0.00031; gnomAD 0.00033 and 0.00035; gnomAD exomes 0.00075 and 0.00031; ESP Exome Variant Server 0.00069.
gnomAD v4.1: 1,161 of 1,614,116 alleles (0.072%); highest among the groups gnomAD compares: Non-Finnish European, 0.093%; no homozygotes.

Submissions (7):

Women's Health and Genetics/Laboratory Corporation of America, LabCorp
Classification: Uncertain significance. Last evaluated: 2026-06-02. Review status: criteria provided, single submitter. Criteria: LabCorp Variant Classification Summary - May 2015. Collection method: clinical testing. Allele origin: germline.
Comment: Variant summary: FGD4 c.329T>C (p.Leu110Pro) results in a non-conservative amino acid change in the encoded protein sequence. Algorithms developed to predict the effect of missense changes on protein structure and function are either unavailable or do not agree on the potential impact of this missense change. The variant allele was found at a frequency of 0.00031 in 251474 control chromosomes (gnomAD). This frequency is not significantly higher than estimated for disease-causing variants in FGD4, allowing no conclusion about variant significance. c.329T>C has been observed in individuals affected with Charcot-Marie-Tooth disease without strong evidence of causality (Volodarsky_2021). This report does not provide unequivocal conclusions about association of the variant with disease. To our knowledge, no experimental evidence demonstrating an impact on protein function has been reported. The following publication has been ascertained in the context of this evaluation (PMID: 32376792). ClinVar contains an entry for this variant (Variation ID: 242314). Based on the evidence outlined above, the variant was classified as uncertain significance.

Mayo Clinic Laboratories, Mayo Clinic
Classification: Uncertain significance. Last evaluated: 2024-12-10. Review status: criteria provided, single submitter. Criteria: ACMG Guidelines, 2015. Collection method: clinical testing. Allele origin: germline. Observed: 2 variant alleles.
Comment: BP4_moderate, PM2_supporting

Ambry Genetics
Classification: Likely benign for Inborn genetic diseases. Last evaluated: 2024-02-26. Review status: criteria provided, single submitter. Criteria: Ambry Variant Classification Scheme 2023. Collection method: clinical testing. Allele origin: germline.

Labcorp Genetics (formerly Invitae), Labcorp
Classification: Uncertain significance for Charcot-Marie-Tooth disease type 4. Last evaluated: 2022-09-01. Review status: criteria provided, single submitter. Criteria: Invitae Variant Classification Sherloc (09022015). Collection method: clinical testing. Allele origin: germline.
Comment: This sequence change replaces leucine, which is neutral and non-polar, with proline, which is neutral and non-polar, at codon 110 of the FGD4 protein (p.Leu110Pro). This variant is present in population databases (rs142609007, gnomAD 0.06%). This missense change has been observed in individual(s) with clinical features of Charcot-Marie-Tooth disease (PMID: 32376792). ClinVar contains an entry for this variant (Variation ID: 242314). Algorithms developed to predict the effect of missense changes on protein structure and function output the following: SIFT: "Tolerated"; PolyPhen-2: "Benign"; Align-GVGD: "Class C0". The proline amino acid residue is found in multiple mammalian species, which suggests that this missense change does not adversely affect protein function. In summary, the available evidence is currently insufficient to determine the role of this variant in disease. Therefore, it has been classified as a Variant of Uncertain Significance.

Athena Diagnostics
Classification: Uncertain significance. Last evaluated: 2021-08-26. Review status: criteria provided, single submitter. Criteria: Athena Diagnostics Criteria. Collection method: clinical testing. Allele origin: unknown.

GeneDx
Classification: Uncertain significance. Last evaluated: 2018-07-23. Review status: criteria provided, single submitter. Criteria: GeneDx Variant Classification (06012015). Collection method: clinical testing. Allele origin: germline. Affected: yes.
Comment: A variant of uncertain significance has been identified in the FGD4 gene. The L110P variant has not been published as a pathogenic variant, nor has it been reported as a benign variant to our knowledge. The L110P variant is observed in 35/66728 (0.05%) alleles from individuals of European background (Lek et al., 2016; 1000 Genomes Consortium et al., 2015; Exome Variant Server). The L110P variant is a semi-conservative amino acid substitution, which may impact secondary protein structure as these residues differ in some properties. However, this substitution occurs at a position that is not conserved. In silico analysis is inconsistent in its predictions as to whether or not the variant is damaging to the protein structure/function. Therefore, based on the currently available information, it is unclear whether this variant is a pathogenic variant or a rare benign variant.

Illumina Laboratory Services, Illumina
Classification: Uncertain significance for Charcot-Marie-Tooth disease type 4H. Last evaluated: 2018-01-13. Review status: criteria provided, single submitter. Criteria: ICSL Variant Classification Criteria 13 December 2019. Collection method: clinical testing. Allele origin: germline.

Literature cited by the submitters: PubMed 32376792 (cited by 4 submitters).